The following is an entry in ClinVar:

ClinVar aggregate classification (germline): Uncertain significance (0 of 4 stars; one submission).

Conditions:
NEK1-related disorder. Also called: NEK1-related condition.

gnomAD v4.1: 4 of 1,612,436 alleles (0.00025%); highest among the groups gnomAD compares: East Asian, 0.0045%; no homozygotes.

Submission:

PreventionGenetics, part of Exact Sciences
Classification: Uncertain significance for NEK1-related condition. Last evaluated: 2024-09-25. Review status: no assertion criteria provided. Collection method: clinical testing. Allele origin: germline.
Comment: The NEK1 c.1999A>G variant is predicted to result in the amino acid substitution p.Lys667Glu. To our knowledge, this variant has not been reported in the literature. This variant is reported in 0.011% of alleles in individuals of East Asian descent in gnomAD. At this time, the clinical significance of this variant is uncertain due to the absence of conclusive functional and genetic evidence.

NM_001199397.3(NEK1):c.2083A>G (p.Lys695Glu)

Gene: NEK1 (NIMA related kinase 1; minus strand). Cytogenetic location: 4q33.
Variant type: single nucleotide variant.
Coding change: c.2083A>G on transcript NM_001199397.3 (MANE Select); coding-DNA position 2083, A replaced by G.
Protein change: p.Lys695Glu; replaces lysine 695 with glutamic acid.
Molecular consequence: missense variant. On other transcripts: non-coding transcript variant (1).
Genome position (GRCh38, 1-based): chr4:169,479,459, T>C on the plus strand (A>G on the coding strand, the complement: NEK1 is on the minus strand). VCF-style: chr4-169479459-T-C. GRCh37 (hg19) VCF-style: chr4-170400610-T-C.
Other names: c.1951A>G, p.Lys651Glu (NM_001199398.3); c.1792A>G, p.Lys598Glu (NM_001199399.3); c.1867A>G, p.Lys623Glu (NM_001199400.3); c.2083A>G, p.Lys695Glu (NM_001374418.1); c.1999A>G, p.Lys667Glu (NM_001374419.1, NM_012224.4); c.1948A>G, p.Lys650Glu (NM_001374420.1); c.1777A>G, p.Lys593Glu (NM_001374421.1); short protein forms K593E, K598E, K623E, K650E, K651E, K667E, K695E.
Identifiers: ClinVar variation 3351797 (VCV003351797.1).